The following is an entry in ClinVar:

NM_002546.4(TNFRSF11B):c.187G>A (p.Ala63Thr)

Gene: TNFRSF11B (TNF receptor superfamily member 11b; minus strand). Cytogenetic location: 8q24.12.
Variant type: single nucleotide variant.
Coding change: c.187G>A on transcript NM_002546.4 (MANE Select); coding-DNA position 187, G replaced by A.
Protein change: p.Ala63Thr; replaces alanine 63 with threonine.
Molecular consequence: missense variant.
Genome position (GRCh38, 1-based): chr8:118,933,144, C>T on the plus strand (G>A on the coding strand, the complement: TNFRSF11B is on the minus strand). VCF-style: chr8-118933144-C-T. GRCh37 (hg19) VCF-style: chr8-119945383-C-T.
Other names: short protein forms A63T.
Identifiers: ClinVar variation 1512768 (VCV001512768.6), dbSNP rs116321565, ClinGen allele CA4854971.

ClinVar aggregate classification (germline): Uncertain significance (1 of 4 stars; one submission).

Allele frequency attached by ClinVar (database versions not stated): gnomAD exomes 0.00009 and 0.00015; ExAC 0.00015; gnomAD 0.00029 and 0.00030; ESP Exome Variant Server 0.00031; TOPMed 0.00040; 1000 Genomes Project 30x 0.00078; 1000 Genomes Project 0.00080.
gnomAD v4.1: 176 of 1,614,162 alleles (0.011%); highest among the groups gnomAD compares: African/African-American, 0.1%; no homozygotes.

Submission:

Labcorp Genetics (formerly Invitae), Labcorp
Classification: Uncertain significance. Last evaluated: 2026-02-01. Review status: criteria provided, single submitter. Criteria: Invitae Variant Classification Sherloc (09022015). Collection method: clinical testing. Allele origin: germline.
Comment: This sequence change replaces alanine, which is neutral and non-polar, with threonine, which is neutral and polar, at codon 63 of the TNFRSF11B protein (p.Ala63Thr). This variant is present in population databases (rs116321565, gnomAD 0.1%). This variant has not been reported in the literature in individuals affected with TNFRSF11B-related conditions. ClinVar contains an entry for this variant (Variation ID: 1512768). Invitae Evidence Modeling of protein sequence and biophysical properties (such as structural, functional, and spatial information, amino acid conservation, physicochemical variation, residue mobility, and thermodynamic stability) indicates that this missense variant is not expected to disrupt TNFRSF11B protein function with a negative predictive value of 80%. In summary, the available evidence is currently insufficient to determine the role of this variant in disease. Therefore, it has been classified as a Variant of Uncertain Significance.